The following is an entry in ClinVar:

ClinVar aggregate classification (germline): Uncertain significance (1 of 4 stars; one submission).

Conditions:
Inborn genetic diseases. Identifiers: MedGen C0950123, MeSH D030342.

Allele frequency attached by ClinVar (database versions not stated): gnomAD exomes 0.00003; gnomAD 0.00004; TOPMed 0.00005; ExAC 0.00007.
gnomAD v4.1: 46 of 1,609,210 alleles (0.0029%); highest among the groups gnomAD compares: East Asian, 0.013%; no homozygotes.

Submission:

Ambry Genetics
Classification: Uncertain significance for Inborn genetic diseases. Last evaluated: 2021-05-18. Review status: criteria provided, single submitter. Criteria: Ambry Variant Classification Scheme 2023. Collection method: clinical testing. Allele origin: germline.
Comment: The c.2521G>A (p.V841I) alteration is located in exon 25 (coding exon 24) of the DDX11 gene. This alteration results from a G to A substitution at nucleotide position 2521, causing the valine (V) at amino acid position 841 to be replaced by an isoleucine (I). The p.V841I alteration is predicted to be tolerated by in silico analysis. Based on insufficient or conflicting evidence, the clinical significance of this alteration remains unclear.

NM_030653.4(DDX11):c.2521G>A (p.Val841Ile)

Gene: DDX11 (DEAD/H-box helicase 11; plus strand). Cytogenetic location: 12p11.21.
Variant type: single nucleotide variant.
Coding change: c.2521G>A on transcript NM_030653.4 (MANE Select); coding-DNA position 2521, G replaced by A.
Protein change: p.Val841Ile; replaces valine 841 with isoleucine.
Molecular consequence: missense variant.
Genome position (GRCh38, 1-based): chr12:31,103,380, G>A. VCF-style: chr12-31103380-G-A. GRCh37 (hg19) VCF-style: chr12-31256314-G-A.
Other names: c.2516G>A, p.Arg839His (NM_001257144.2, NM_001413695.1, NM_001413696.1 and 1 more transcripts); c.2443G>A, p.Val815Ile (NM_001257145.2, NM_001413697.1, NM_001413698.1); c.2521G>A, p.Val841Ile (NM_001413692.1, NM_001413693.1, NM_001413694.1); c.2438G>A, p.Arg813His (NM_001413699.1); c.2434G>A, p.Val812Ile (NM_001413700.1); c.1993G>A, p.Val665Ile (NM_001413702.1, NM_001413703.1); c.1655G>A, p.Arg552His (NM_001413704.1); c.1660G>A, p.Val554Ile (NM_001413705.1); and 2 more; short protein forms V791I, R552H, R839H, V554I, V665I, V841I, R813H, V519I.
Identifiers: ClinVar variation 2369897 (VCV002369897.2), dbSNP rs755347093, ClinGen allele CA6501863.